The following is an entry in ClinVar:

NM_015338.6(ASXL1):c.4109A>G (p.Glu1370Gly)

Gene: ASXL1 (ASXL transcriptional regulator 1; plus strand). Cytogenetic location: 20q11.21.
Variant type: single nucleotide variant.
Coding change: c.4109A>G on transcript NM_015338.6 (MANE Select); coding-DNA position 4109, A replaced by G.
Protein change: p.Glu1370Gly; replaces glutamic acid 1370 with glycine.
Molecular consequence: missense variant.
Genome position (GRCh38, 1-based): chr20:32,436,821, A>G. VCF-style: chr20-32436821-A-G. GRCh37 (hg19) VCF-style: chr20-31024624-A-G.
Other names: c.3926A>G, p.Glu1309Gly (NM_001363734.1); short protein forms E1309G, E1370G.
Identifiers: ClinVar variation 4864566 (VCV004864566.1).
Genomic context (GRCh38, chr20:32,436,821, plus strand): 5'-AGACTCCAAGGGAAGACTGGGCTCCAAAGCCACATGCCTTTGTTGGCAGCGTCAAGAATG[A>G]GAAGACTTTTGTGGGGGGTCCTCTTAAGGCAAATGCCGAGAACAGGAAAGCTACTGGGCA-3'
Protein context (NP_056153.2, residues 1360-1380): PHAFVGSVKN[Glu1370Gly]KTFVGGPLKA

ClinVar aggregate classification (germline): Uncertain significance (1 of 4 stars; one submission).

Conditions:
Inborn genetic diseases. Identifiers: MedGen C0950123, MeSH D030342.

Submission:

Ambry Genetics
Classification: Uncertain significance for Inborn genetic diseases. Last evaluated: 2026-05-14. Review status: criteria provided, single submitter. Criteria: Ambry Variant Classification Scheme 2023. Collection method: clinical testing. Allele origin: germline.
Comment: The p.E1370G variant (also known as c.4109A>G), located in coding exon 13 of the ASXL1 gene, results from an A to G substitution at nucleotide position 4109. The glutamic acid at codon 1370 is replaced by glycine, an amino acid with similar properties. This amino acid position is conserved. In addition, the in silico prediction for this alteration is inconclusive. Based on the available evidence, the clinical significance of this variant remains unclear.